The following is an entry in ClinVar:

ClinVar aggregate classification (germline): Uncertain significance (1 of 4 stars; one submission).

Conditions:
NRP2-related disorder. Also called: NRP2-related condition.

Submission:

PreventionGenetics, part of Exact Sciences
Classification: Uncertain significance for NRP2-related condition. Last evaluated: 2026-07-07. Review status: criteria provided, single submitter. Criteria: ACMG Guidelines, 2015. Collection method: clinical testing. Allele origin: germline.
Comment: The NRP2 c.2641C>T variant is predicted to result in the amino acid substitution p.His881Tyr. To our knowledge, this variant has not been reported in the literature or in a large population database (gnomAD), indicating this variant is rare. At this time, the clinical significance of this variant is uncertain due to the absence of conclusive functional and genetic evidence.

NM_003872.3(NRP2):c.2425+9643C>T

Gene: NRP2 (neuropilin 2; plus strand). Cytogenetic location: 2q33.3.
Variant type: single nucleotide variant.
Coding change: c.2425+9643C>T on transcript NM_003872.3 (MANE Select); 9643 bases into the intron after coding-DNA position 2425, C replaced by T.
Molecular consequence: intron variant. On other transcripts: missense variant (2).
Genome position (GRCh38, 1-based): chr2:205,776,446, C>T. VCF-style: chr2-205776446-C-T. GRCh37 (hg19) VCF-style: chr2-206641170-C-T.
Other names: c.2641C>T, p.His881Tyr (NM_018534.4); c.2626C>T, p.His876Tyr (NM_201267.2); c.2440+9628C>T (NM_201266.2); c.2425+9643C>T (NM_201279.2); short protein forms H881Y, H876Y.
Identifiers: ClinVar variation 4995480 (VCV004995480.1).